The following is an entry in ClinVar:

NM_001009944.3(PKD1):c.6909G>A (p.Ser2303=)

Gene: PKD1 (polycystin 1, transient receptor potential channel interacting; minus strand). Cytogenetic location: 16p13.3.
Variant type: single nucleotide variant.
Coding change: c.6909G>A on transcript NM_001009944.3 (MANE Select); coding-DNA position 6909, G replaced by A.
Protein change: p.Ser2303=; no amino-acid change (serine 2303 retained).
Molecular consequence: synonymous variant.
Genome position (GRCh38, 1-based): chr16:2,108,258, C>T on the plus strand (G>A on the coding strand, the complement: PKD1 is on the minus strand). VCF-style: chr16-2108258-C-T. GRCh37 (hg19) VCF-style: chr16-2158259-C-T.
Other names: c.6909G>A, p.Ser2303= (NM_000296.4).
Identifiers: ClinVar variation 4927777 (VCV004927777.2).

ClinVar aggregate classification (germline): Likely benign. Review status: criteria provided, multiple submitters, no conflicts (2 of 4 stars). 2 submissions from 2 submitters: Likely benign (2). Last evaluated 2025-12-12.

Conditions:
PKD1-related disorder. Also called: PKD1-related condition.

gnomAD v4.1: 60 of 1,598,560 alleles (0.0038%); highest among the groups gnomAD compares: African/African-American, 0.053%; no homozygotes.

Submissions (2):

PreventionGenetics, part of Exact Sciences
Classification: Likely benign for PKD1-related condition. Last evaluated: 2025-12-12. Review status: criteria provided, single submitter. Criteria: ACMG Guidelines, 2015. Collection method: clinical testing. Allele origin: germline.
Comment: This variant is classified as likely benign based on ACMG/AMP sequence variant interpretation guidelines (Richards et al. 2015 PMID: 25741868, with internal and published modifications).

Blueprint Genetics
Classification: Likely benign. Last evaluated: 2024-03-19. Review status: criteria provided, single submitter. Criteria: ACMG Guidelines, 2015. Collection method: clinical testing. Allele origin: germline.